The following is an entry in ClinVar:

ClinVar aggregate classification (germline): Uncertain significance (1 of 4 stars; one submission).

Conditions:
Hereditary breast ovarian cancer syndrome. Also called: Hereditary breast and ovarian cancer syndrome; Hereditary breast and ovarian cancer syndrome (HBOC); BRCA1- and BRCA2-Associated Hereditary Breast and Ovarian Cancer; Hereditary breast and ovarian cancer; Breast and ovarian cancer; Hereditary breast and/or ovarian cancer syndrome. Identifiers: Orphanet 145, MedGen C0677776, MeSH D061325, MONDO:0003582. Disease mechanism: loss of function.

Submission:

Labcorp Genetics (formerly Invitae), Labcorp
Classification: Uncertain significance for Hereditary breast ovarian cancer syndrome. Last evaluated: 2024-11-13. Review status: criteria provided, single submitter. Criteria: Invitae Variant Classification Sherloc (09022015). Collection method: clinical testing. Allele origin: germline.
Comment: This sequence change replaces phenylalanine, which is neutral and non-polar, with serine, which is neutral and polar, at codon 107 of the BRCA1 protein (p.Phe107Ser). This variant is not present in population databases (gnomAD no frequency). This variant has not been reported in the literature in individuals affected with BRCA1-related conditions. Invitae Evidence Modeling of protein sequence and biophysical properties (such as structural, functional, and spatial information, amino acid conservation, physicochemical variation, residue mobility, and thermodynamic stability) has been performed for this missense variant. However, the output from this modeling did not meet the statistical confidence thresholds required to predict the impact of this variant on BRCA1 protein function. In summary, the available evidence is currently insufficient to determine the role of this variant in disease. Therefore, it has been classified as a Variant of Uncertain Significance.

NM_007294.4(BRCA1):c.320T>C (p.Phe107Ser)

Gene: BRCA1 (BRCA1 DNA repair associated; minus strand). Cytogenetic location: 17q21.31.
Variant type: single nucleotide variant.
Coding change: c.320T>C on transcript NM_007294.4 (MANE Select); coding-DNA position 320, T replaced by C.
Protein change: p.Phe107Ser; replaces phenylalanine 107 with serine.
Molecular consequence: missense variant. On other transcripts: 5 prime UTR variant (7), intron variant (2).
Genome position (GRCh38, 1-based): chr17:43,104,243, A>G on the plus strand (T>C on the coding strand, the complement: BRCA1 is on the minus strand). VCF-style: chr17-43104243-A-G. GRCh37 (hg19) VCF-style: chr17-41256260-A-G.
Other names: c.-62T>C (NM_001407959.1, NM_001407960.1, NM_001407962.1 and 4 more transcripts); c.179T>C, p.Phe60Ser (NM_001407964.1, NM_001408410.1, NM_007297.4 and 99 more transcripts); c.320T>C, p.Phe107Ser (NM_001407971.1, NM_001407972.1, NM_001407973.1 and 164 more transcripts); c.242T>C, p.Phe81Ser (NM_001408414.1, NM_001408415.1, NM_001408416.1 and 21 more transcripts); c.311T>C, p.Phe104Ser (NM_001408408.1, NM_001407646.1, NM_001407647.1); c.110T>C, p.Phe37Ser (NM_001407571.1, NM_001407853.1, NM_001407879.1 and 58 more transcripts); c.-218-9383T>C (NM_001407967.1, NM_001407966.1); c.188T>C, p.Phe63Ser (NM_001408451.1); short protein forms F60S, F63S, F81S, F104S, F107S, F37S.
Identifiers: ClinVar variation 3634710 (VCV003634710.2).